The following is an entry in ClinVar:

NM_004370.6(COL12A1):c.6256C>A (p.Gln2086Lys)

Gene: COL12A1 (collagen type XII alpha 1 chain; minus strand). Cytogenetic location: 6q13.
Variant type: single nucleotide variant.
Coding change: c.6256C>A on transcript NM_004370.6 (MANE Select); coding-DNA position 6256, C replaced by A.
Protein change: p.Gln2086Lys; replaces glutamine 2086 with lysine.
Molecular consequence: missense variant.
Genome position (GRCh38, 1-based): chr6:75,128,380, G>T on the plus strand (C>A on the coding strand, the complement: COL12A1 is on the minus strand). VCF-style: chr6-75128380-G-T. GRCh37 (hg19) VCF-style: chr6-75838096-G-T.
Other names: c.2764C>A, p.Gln922Lys (NM_080645.3); short protein forms Q2086K, Q922K.
Identifiers: ClinVar variation 1145771 (VCV001145771.11), dbSNP rs562076616, ClinGen allele CA3892847.

ClinVar aggregate classification (germline): Conflicting classifications of pathogenicity. Review status: criteria provided, conflicting classifications (1 of 4 stars). 3 submissions from 3 submitters: Uncertain significance (1); Likely benign (2). Last evaluated 2025-11-23.

Conditions:
Ullrich congenital muscular dystrophy 2 (UCMD2). Identifiers: Orphanet 75840, MedGen C4225314, MONDO:0014654, OMIM 616470.
Bethlem myopathy 2 (BTHLM2). Identifiers: Orphanet 536516, Orphanet 610, MedGen C4225313, MONDO:0034022, OMIM 616471.

Allele frequency attached by ClinVar (database versions not stated): ExAC 0.00032; 1000 Genomes Project 0.00020; gnomAD exomes 0.00026 and 0.00010; TOPMed below 0.00001; 1000 Genomes Project 30x 0.00031; gnomAD 0.00005.
gnomAD v4.1: 162 of 1,609,466 alleles (0.01%); highest among the groups gnomAD compares: South Asian, 0.17%; 1 homozygote.

Submissions (3):

Labcorp Genetics (formerly Invitae), Labcorp
Classification: Likely benign for Bethlem myopathy 2; Ullrich congenital muscular dystrophy 2. Last evaluated: 2025-11-23. Review status: criteria provided, single submitter. Criteria: Invitae Variant Classification Sherloc (09022015). Collection method: clinical testing. Allele origin: germline.

GeneDx
Classification: Uncertain significance. Last evaluated: 2022-03-21. Review status: criteria provided, single submitter. Criteria: GeneDx Variant Classification Process June 2021. Collection method: clinical testing. Allele origin: germline. Affected: yes.
Comment: Has not been previously published as pathogenic or benign to our knowledge; In silico analysis supports that this missense variant does not alter protein structure/function

Breakthrough Genomics
Classification: Likely benign. Review status: criteria provided, single submitter. Criteria: ACMG Guidelines, 2015. Collection method: not provided. Allele origin: germline. Inheritance: Autosomal recessive inheritance. Affected: yes.